The following is an entry in ClinVar:

ClinVar aggregate classification (germline): Pathogenic (1 of 4 stars; one submission).

Conditions:
Severe myoclonic epilepsy in infancy (DRVT). Also called: Epileptic encephalopathy, early infantile, 6 (Dravet syndrome); Dravet syndrome; SEVERE MYOCLONIC EPILEPSY OF INFANCY; DEVELOPMENTAL AND EPILEPTIC ENCEPHALOPATHY 6A; Severe Myoclonic Epilepsy in Infancy (SMEI). Identifiers: Orphanet 33069, MedGen C0751122, MONDO:0100135, OMIM 607208.

Allele frequency attached by ClinVar (database versions not stated): gnomAD exomes below 0.00001.

Submission:

Labcorp Genetics (formerly Invitae), Labcorp
Classification: Pathogenic for Severe myoclonic epilepsy in infancy. Last evaluated: 2022-07-06. Review status: criteria provided, single submitter. Criteria: Invitae Variant Classification Sherloc (09022015). Collection method: clinical testing. Allele origin: germline.
Comment: For these reasons, this variant has been classified as Pathogenic. ClinVar contains an entry for this variant (Variation ID: 1448025). This variant has not been reported in the literature in individuals affected with SNX27-related conditions. This variant is not present in population databases (gnomAD no frequency). This sequence change creates a premature translational stop signal (p.Arg218*) in the SNX27 gene. It is expected to result in an absent or disrupted protein product. Loss-of-function variants in SNX27 are known to be pathogenic (PMID: 25894286).

Literature cited by the submitters: PubMed 25894286.

NM_001330723.2(SNX27):c.652C>T (p.Arg218Ter)

Gene: SNX27 (sorting nexin 27; plus strand). Cytogenetic location: 1q21.3.
Variant type: single nucleotide variant.
Coding change: c.652C>T on transcript NM_001330723.2 (MANE Select); coding-DNA position 652, C replaced by T.
Protein change: p.Arg218Ter; replaces arginine 218 with a stop codon.
Molecular consequence: nonsense.
Genome position (GRCh38, 1-based): chr1:151,658,343, C>T. VCF-style: chr1-151658343-C-T. GRCh37 (hg19) VCF-style: chr1-151630819-C-T.
Other names: c.652C>T, p.Arg218Ter (NM_030918.6); short protein forms R218*.
Identifiers: ClinVar variation 1448025 (VCV001448025.6), dbSNP rs2102676931, ClinGen allele CA341958796.